The following is an entry in ClinVar:

NM_001376.5(DYNC1H1):c.10549G>A (p.Ala3517Thr)

Gene: DYNC1H1 (dynein cytoplasmic 1 heavy chain 1; plus strand). Cytogenetic location: 14q32.31.
Variant type: single nucleotide variant.
Coding change: c.10549G>A on transcript NM_001376.5 (MANE Select); coding-DNA position 10549, G replaced by A.
Protein change: p.Ala3517Thr; replaces alanine 3517 with threonine.
Molecular consequence: missense variant.
Genome position (GRCh38, 1-based): chr14:102,034,111, G>A. VCF-style: chr14-102034111-G-A. GRCh37 (hg19) VCF-style: chr14-102500448-G-A.
Other names: c.10549G>A (NM_001376.4); short protein forms A3517T.
Identifiers: ClinVar variation 1464864 (VCV001464864.12), dbSNP rs2152592178, ClinGen allele CA391027200.
Genomic context (GRCh38, chr14:102,034,111, plus strand): 5'-AAAAACCAGATGTCCACCATTGCTGGGGACTGTCTCTTGTCAGCTGCGTTCATTGCCTAC[G>A]CGGGTTACTTTGACCAGCAGATGCGTCAGAACTTGTTCACTACCTGGTCCCATCACCTAC-3'
Protein context (NP_001367.2, residues 3507-3527): CLLSAAFIAY[Ala3517Thr]GYFDQQMRQN

ClinVar aggregate classification (germline): Uncertain significance. Review status: criteria provided, multiple submitters, no conflicts (2 of 4 stars). 3 submissions from 3 submitters: Uncertain significance (3). Last evaluated 2023-12-02.

Conditions:
Charcot-Marie-Tooth disease axonal type 2O. Also called: Charcot-Marie-Tooth disease, axonal, type 20; CHARCOT-MARIE-TOOTH NEUROPATHY, AXONAL, TYPE 2O; CHARCOT-MARIE-TOOTH DISEASE, AXONAL, AUTOSOMAL DOMINANT, TYPE 2O; Charcot-Marie-Tooth Neuropathy Type 2O. Identifiers: Orphanet 284232, MedGen C3280220, MONDO:0013644, OMIM 614228.
Cortical dysplasia, complex, with other brain malformations 13. Also called: Intellectual disability, autosomal dominant 13. Identifiers: MedGen C3281202, MONDO:0013805, OMIM 614563.
Inborn genetic diseases. Identifiers: MedGen C0950123, MeSH D030342.

Submissions (3):

Labcorp Genetics (formerly Invitae), Labcorp
Classification: Uncertain significance for Charcot-Marie-Tooth disease axonal type 2O. Last evaluated: 2023-12-02. Review status: criteria provided, single submitter. Criteria: Invitae Variant Classification Sherloc (09022015). Collection method: clinical testing. Allele origin: germline.
Comment: This sequence change replaces alanine, which is neutral and non-polar, with threonine, which is neutral and polar, at codon 3517 of the DYNC1H1 protein (p.Ala3517Thr). This variant is not present in population databases (gnomAD no frequency). This variant has not been reported in the literature in individuals affected with DYNC1H1-related conditions. ClinVar contains an entry for this variant (Variation ID: 1464864). Advanced modeling of protein sequence and biophysical properties (such as structural, functional, and spatial information, amino acid conservation, physicochemical variation, residue mobility, and thermodynamic stability) has been performed at Invitae for this missense variant, however the output from this modeling did not meet the statistical confidence thresholds required to predict the impact of this variant on DYNC1H1 protein function. In summary, the available evidence is currently insufficient to determine the role of this variant in disease. Therefore, it has been classified as a Variant of Uncertain Significance.

MGZ Medical Genetics Center
Classification: Uncertain significance for Cortical dysplasia, complex, with other brain malformations 13. Last evaluated: 2022-05-04. Review status: criteria provided, single submitter. Criteria: ACMG Guidelines, 2015. Collection method: clinical testing. Allele origin: germline. Affected: yes. Observed: 1 variant allele.
Comment: ACMG criteria applied: PM2_SUP, PP2

Ambry Genetics
Classification: Uncertain significance for Inborn genetic diseases. Last evaluated: 2021-05-26. Review status: criteria provided, single submitter. Criteria: Ambry Variant Classification Scheme 2023. Collection method: clinical testing. Allele origin: germline.
Comment: The p.A3517T variant (also known as c.10549G>A), located in coding exon 55 of the DYNC1H1 gene, results from a G to A substitution at nucleotide position 10549. The alanine at codon 3517 is replaced by threonine, an amino acid with similar properties. This amino acid position is highly conserved in available vertebrate species. In addition, the in silico prediction for this alteration is inconclusive. Since supporting evidence is limited at this time, the clinical significance of this alteration remains unclear.